The following is an entry in ClinVar:

ClinVar aggregate classification (germline): Uncertain significance (1 of 4 stars; one submission).

Conditions:
SNRNP200-related dominant retinopathy. Identifiers: MedGen CN315668, MONDO:0800098.

Submission:

Dasa
Classification: Uncertain significance for SNRNP200-related dominant retinopathy. Last evaluated: 2026-01-24. Review status: criteria provided, single submitter. Criteria: DASA Assertion Criteria. Collection method: clinical testing. Allele origin: germline.
Comment: NM_014014.5(SNRNP200):c.1895T>A (p.Val632Glu) is a missense variant that results in the substitution of valine with glutamic acid. This variant is absent from population databases. The currently available literature and clinical evidence are not sufficient to establish a definitive association between this variant and the reported condition. Therefore, this variant is classified as a variant of uncertain significance.

NM_014014.5(SNRNP200):c.1895T>A (p.Val632Glu)

Gene: SNRNP200 (small nuclear ribonucleoprotein U5 subunit 200; minus strand). Cytogenetic location: 2q11.2.
Variant type: single nucleotide variant.
Coding change: c.1895T>A on transcript NM_014014.5 (MANE Select); coding-DNA position 1895, T replaced by A.
Protein change: p.Val632Glu; replaces valine 632 with glutamic acid.
Molecular consequence: missense variant.
Genome position (GRCh38, 1-based): chr2:96,293,457, A>T on the plus strand (T>A on the coding strand, the complement: SNRNP200 is on the minus strand). VCF-style: chr2-96293457-A-T. GRCh37 (hg19) VCF-style: chr2-96959195-A-T.
Other names: short protein forms V632E.
Identifiers: ClinVar variation 4881975 (VCV004881975.2).